The following is an entry in ClinVar:

ClinVar aggregate classification (germline): Likely benign. Review status: reviewed by expert panel (3 of 4 stars). 5 submissions from 5 submitters: Likely benign (1). 4 of the submissions do not count toward it. Last evaluated 2017-06-29.

Conditions:
Hereditary cancer-predisposing syndrome. Also called: Tumor predisposition; Hereditary Cancer Syndrome; Hereditary neoplastic syndrome; Neoplastic Syndromes, Hereditary. Identifiers: Orphanet 140162, MedGen C0027672, MeSH D009386, MONDO:0015356.
Hereditary breast ovarian cancer syndrome. Also called: Breast and ovarian cancer; Hereditary breast and ovarian cancer syndrome; Hereditary breast and ovarian cancer; BRCA1- and BRCA2-Associated Hereditary Breast and Ovarian Cancer; Hereditary breast and ovarian cancer syndrome (HBOC); Hereditary breast and/or ovarian cancer syndrome. Identifiers: Orphanet 145, MedGen C0677776, MeSH D061325, MONDO:0003582. Disease mechanism: loss of function.
Breast-ovarian cancer, familial, susceptibility to, 2 (BROVCA2). Also called: BRCA2 Hereditary Breast and Ovarian Cancer. Identifiers: Orphanet 145, MedGen C2675520, MONDO:0012933, OMIM 612555. Disease mechanism: loss of function.
Malignant tumor of breast. Also called: Cancer breast; Malignant breast neoplasm. Identifiers: MedGen C0006142, MONDO:0007254. Disease mechanism: loss of function.

Allele frequency attached by ClinVar (database versions not stated): gnomAD exomes below 0.00001.
gnomAD v4.1: 5 of 1,614,012 alleles (0.00031%); highest among the groups gnomAD compares: South Asian, 0.0033%; no homozygotes.

Submissions (5):

Evidence-based Network for the Interpretation of Germline Mutant Alleles (ENIGMA)
Classification: Likely benign for Breast-ovarian cancer, familial, susceptibility to, 2. Last evaluated: 2017-06-29. Review status: reviewed by expert panel. Criteria: ENIGMA BRCA1/2 Classification Criteria (2017-06-29). Collection method: curation. Allele origin: germline.
Comment: Synonymous substitution variant, with low bioinformatic likelihood to result in a splicing aberration (Splicing prior probability 0.02).

Labcorp Genetics (formerly Invitae), Labcorp
Classification: Likely benign for Hereditary breast ovarian cancer syndrome. Last evaluated: 2023-04-09. Review status: criteria provided, single submitter. Criteria: Invitae Variant Classification Sherloc (09022015). Collection method: clinical testing. Allele origin: germline. Not counted in ClinVar's aggregate classification.

GeneDx
Classification: Likely benign. Last evaluated: 2015-12-27. Review status: criteria provided, single submitter. Criteria: GeneDx Variant Classification (06012015). Collection method: clinical testing. Allele origin: germline. Affected: yes. Not counted in ClinVar's aggregate classification.
Comment: This variant is considered likely benign or benign based on one or more of the following criteria: it is a conservative change, it occurs at a poorly conserved position in the protein, it is predicted to be benign by multiple in silico algorithms, and/or has population frequency not consistent with disease.

Ambry Genetics
Classification: Likely benign for Hereditary cancer-predisposing syndrome. Last evaluated: 2015-01-28. Review status: criteria provided, single submitter. Criteria: Ambry Variant Classification Scheme 2023. Collection method: clinical testing. Allele origin: germline. Not counted in ClinVar's aggregate classification.

Department of Pathology and Laboratory Medicine, Sinai Health System
Classification: Likely benign for Malignant tumor of breast. Review status: no assertion criteria provided. Collection method: clinical testing. Allele origin: unknown. Affected: yes. Study: The Canadian Open Genetics Repository (COGR). Not counted in ClinVar's aggregate classification.
Comment: The BRCA2 p.Thr1974= variant was not identified in the literature nor was it identified in the UMD-LSDB database. The variant was identified in dbSNP (ID: rs786201515) â€šÃ„ÃºWith Likely benign alleleâ€šÃ„Ã¹, ClinVar (classified likely benign, reviewed by an expert panel (2017); submitters: ENIGMA, GeneDx and Ambry Genetics), and LOVD 3.0. The variant was not identified in the following control databases: the Exome Aggregation Consortium (August 8th 2016), or the Genome Aggregation Database (Feb 27, 2017). The p.Thr1974= variant is not expected to have clinical significance because it does not result in a change of amino acid and is not located in a known consensus splice site. In addition, in silico or computational prediction software programs (SpliceSiteFinder, MaxEntScan, NNSPLICE, GeneSplicer) do not predict a difference in splicing. In summary, based on the above information the clinical significance of this variant cannot be determined with certainty at this time although we would lean towards a more benign role for this variant. This variant is classified as likely benign.

NM_000059.4(BRCA2):c.5922T>C (p.Thr1974=)

Gene: BRCA2 (BRCA2 DNA repair associated; plus strand). Cytogenetic location: 13q13.1.
Variant type: single nucleotide variant.
Coding change: c.5922T>C on transcript NM_000059.4 (MANE Select); coding-DNA position 5922, T replaced by C.
Protein change: p.Thr1974=; no amino-acid change (threonine 1974 retained).
Molecular consequence: synonymous variant.
Genome position (GRCh38, 1-based): chr13:32,340,277, T>C. VCF-style: chr13-32340277-T-C. GRCh37 (hg19) VCF-style: chr13-32914414-T-C.
Identifiers: ClinVar variation 184515 (VCV000184515.18), dbSNP rs786201515, ClinGen allele CA023370.